The following is an entry in ClinVar:

NM_000152.5(GAA):c.73G>A (p.Ala25Thr)

Gene: GAA (alpha glucosidase; plus strand). Cytogenetic location: 17q25.3.
Variant type: single nucleotide variant.
Coding change: c.73G>A on transcript NM_000152.5 (MANE Select); coding-DNA position 73, G replaced by A.
Protein change: p.Ala25Thr; replaces alanine 25 with threonine.
Molecular consequence: missense variant.
Genome position (GRCh38, 1-based): chr17:80,104,659, G>A. VCF-style: chr17-80104659-G-A. GRCh37 (hg19) VCF-style: chr17-78078458-G-A.
Other names: c.73G>A, p.Ala25Thr (NM_001079803.3, NM_001079804.3, NM_001406741.1 and 1 more transcripts); short protein forms A25T.
Identifiers: ClinVar variation 3634752 (VCV003634752.2).

ClinVar aggregate classification (germline): Uncertain significance (1 of 4 stars; one submission).

Conditions:
Glycogen storage disease, type II (IOPD). Also called: CARDIOMEGALIA GLYCOGENICA DIFFUSA; Glycogen storage disease type 2; Acid maltase deficiency disease; Aglucosidase alfa; Deficiency of alpha-glucosidase; Deficiency of lysosomal alpha-glucosidase. Identifiers: Orphanet 365, MedGen C0017921, MONDO:0009290, OMIM 232300.

gnomAD v4.1: 1 of 1,613,280 alleles (0.000062%); highest among the groups gnomAD compares: South Asian, 0.0011%; no homozygotes.

Submission:

Labcorp Genetics (formerly Invitae), Labcorp
Classification: Uncertain significance for Glycogen storage disease, type II. Last evaluated: 2024-06-29. Review status: criteria provided, single submitter. Criteria: Invitae Variant Classification Sherloc (09022015). Collection method: clinical testing. Allele origin: germline.
Comment: This sequence change replaces alanine, which is neutral and non-polar, with threonine, which is neutral and polar, at codon 25 of the GAA protein (p.Ala25Thr). This variant is not present in population databases (gnomAD no frequency). This variant has not been reported in the literature in individuals affected with GAA-related conditions. Advanced modeling of protein sequence and biophysical properties (such as structural, functional, and spatial information, amino acid conservation, physicochemical variation, residue mobility, and thermodynamic stability) performed at Invitae indicates that this missense variant is not expected to disrupt GAA protein function with a negative predictive value of 95%. In summary, the available evidence is currently insufficient to determine the role of this variant in disease. Therefore, it has been classified as a Variant of Uncertain Significance.